The following is an entry in ClinVar:

NM_013239.5(PPP2R3B):c.1629C>A (p.Ser543=)

Gene: PPP2R3B (protein phosphatase 2 regulatory subunit B''beta; minus strand). Cytogenetic location: Xp22.33.
Variant type: single nucleotide variant.
Coding change: c.1629C>A on transcript NM_013239.5 (MANE Select); coding-DNA position 1629, C replaced by A.
Protein change: p.Ser543=; no amino-acid change (serine 543 retained).
Molecular consequence: synonymous variant.
Genome position (GRCh38, 1-based): chrX:334,466, G>T on the plus strand (C>A on the coding strand, the complement: PPP2R3B is on the minus strand). VCF-style: chrX-334466-G-T. GRCh37 (hg19) VCF-style: chrX-295201-G-T.
Identifiers: ClinVar variation 4681692 (VCV004681692.5).

ClinVar aggregate classification (germline): Likely benign (1 of 4 stars; one submission).

gnomAD v4.1: 33 of 1,593,678 alleles (0.0021%); highest among the groups gnomAD compares: South Asian, 0.032%; 1 homozygote.

Submission:

CeGaT Center for Human Genetics Tuebingen
Classification: Likely benign. Last evaluated: 2025-12-01. Review status: criteria provided, single submitter. Criteria: CeGaT Center For Human Genetics Tuebingen Variant Classification Criteria Version 2. Collection method: clinical testing. Allele origin: germline. Affected: yes. Observed: 1 variant allele.
Comment: PPP2R3B: BP4, BP7, BS2